The following is an entry in ClinVar:

NM_007194.4(CHEK2):c.1029T>G (p.Ile343Met)

Gene: CHEK2 (checkpoint kinase 2; minus strand). Cytogenetic location: 22q12.1.
Variant type: single nucleotide variant.
Coding change: c.1029T>G on transcript NM_007194.4 (MANE Select); coding-DNA position 1029, T replaced by G.
Protein change: p.Ile343Met; replaces isoleucine 343 with methionine.
Molecular consequence: missense variant. On other transcripts: intron variant (3).
Genome position (GRCh38, 1-based): chr22:28,696,967, A>C on the plus strand (T>G on the coding strand, the complement: CHEK2 is on the minus strand). VCF-style: chr22-28696967-A-C. GRCh37 (hg19) VCF-style: chr22-29092955-A-C.
Other names: c.1138-1094T>G (NM_001438294.1); c.1158T>G, p.Ile386Met (NM_001005735.3); c.366T>G, p.Ile122Met (NM_001257387.3, NM_001437942.1); c.828T>G, p.Ile276Met (NM_001349956.3); c.1122T>G, p.Ile374Met (NM_001438293.1); c.1009-1094T>G (NM_145862.3); c.1102-1094T>G (NM_001438295.1); short protein forms I122M, I276M, I386M, I343M, I374M.
Identifiers: ClinVar variation 1514217 (VCV001514217.9), dbSNP rs2145817747, ClinGen allele CA411097771.

ClinVar aggregate classification (germline): Uncertain significance (1 of 4 stars; one submission).

Conditions:
Familial cancer of breast. Also called: Hereditary breast cancer; hereditary breast carcinoma; BREAST CANCER, FAMILIAL. Identifiers: Orphanet 227535, MedGen C0346153, MONDO:0016419, OMIM 114480. Disease mechanism: loss of function.

Submission:

Labcorp Genetics (formerly Invitae), Labcorp
Classification: Uncertain significance for Familial cancer of breast. Last evaluated: 2021-03-02. Review status: criteria provided, single submitter. Criteria: Invitae Variant Classification Sherloc (09022015). Collection method: clinical testing. Allele origin: germline.
Comment: This sequence change replaces isoleucine with methionine at codon 343 of the CHEK2 protein (p.Ile343Met). The isoleucine residue is highly conserved and there is a small physicochemical difference between isoleucine and methionine. In summary, the available evidence is currently insufficient to determine the role of this variant in disease. Therefore, it has been classified as a Variant of Uncertain Significance. Algorithms developed to predict the effect of sequence changes on RNA splicing suggest that this variant may create or strengthen a splice site, but this prediction has not been confirmed by published transcriptional studies. Algorithms developed to predict the effect of missense changes on protein structure and function are either unavailable or do not agree on the potential impact of this missense change (SIFT: "Deleterious"; PolyPhen-2: "Probably Damaging"; Align-GVGD: "Class C0"). This variant has not been reported in the literature in individuals with CHEK2-related conditions. This variant is not present in population databases (ExAC no frequency).